The following is an entry in ClinVar:

ClinVar aggregate classification (germline): Uncertain significance (1 of 4 stars; one submission).

Conditions:
Wilson disease (WND). Also called: Wilson's disease. Identifiers: Orphanet 905, MedGen C0019202, MONDO:0010200, OMIM 277900. Disease mechanism: loss of function.

Submission:

Labcorp Genetics (formerly Invitae), Labcorp
Classification: Uncertain significance for Wilson disease. Last evaluated: 2022-08-18. Review status: criteria provided, single submitter. Criteria: Invitae Variant Classification Sherloc (09022015). Collection method: clinical testing. Allele origin: germline.
Comment: This sequence change replaces lysine, which is basic and polar, with glutamic acid, which is acidic and polar, at codon 233 of the ATP7B protein (p.Lys233Glu). This variant is not present in population databases (gnomAD no frequency). This variant has not been reported in the literature in individuals affected with ATP7B-related conditions. Advanced modeling of protein sequence and biophysical properties (such as structural, functional, and spatial information, amino acid conservation, physicochemical variation, residue mobility, and thermodynamic stability) performed at Invitae indicates that this missense variant is not expected to disrupt ATP7B protein function. In summary, the available evidence is currently insufficient to determine the role of this variant in disease. Therefore, it has been classified as a Variant of Uncertain Significance.

NM_000053.4(ATP7B):c.697A>G (p.Lys233Glu)

Gene: ATP7B (ATPase copper transporting beta; minus strand). Cytogenetic location: 13q14.3.
Variant type: single nucleotide variant.
Coding change: c.697A>G on transcript NM_000053.4 (MANE Select); coding-DNA position 697, A replaced by G.
Protein change: p.Lys233Glu; replaces lysine 233 with glutamic acid.
Molecular consequence: missense variant.
Genome position (GRCh38, 1-based): chr13:51,974,523, T>C on the plus strand (A>G on the coding strand, the complement: ATP7B is on the minus strand). VCF-style: chr13-51974523-T-C. GRCh37 (hg19) VCF-style: chr13-52548659-T-C.
Other names: c.601A>G, p.Lys201Glu (NM_001406543.1, NM_001406544.1, NM_001406517.1 and 4 more transcripts); c.697A>G, p.Lys233Glu (NM_001406545.1, NM_001406546.1, NM_001406547.1 and 30 more transcripts); short protein forms K201E, K233E.
Identifiers: ClinVar variation 1936022 (VCV001936022.2), dbSNP rs2547819542, ClinGen allele CA388041877.